The following is an entry in ClinVar:

ClinVar aggregate classification (germline): Uncertain significance (1 of 4 stars; one submission).

Conditions:
Neurofibromatosis, type 1 (NF1). Also called: NEUROFIBROMATOSIS, TYPE I, SOMATIC; Neurofibromatosis, type I; VON RECKLINGHAUSEN DISEASE; Peripheral type neurofibromatosis. Identifiers: Orphanet 636, MedGen C0027831, MONDO:0018975, OMIM 162200. Disease mechanism: loss of function.

Submission:

Labcorp Genetics (formerly Invitae), Labcorp
Classification: Uncertain significance for Neurofibromatosis, type 1. Last evaluated: 2021-12-05. Review status: criteria provided, single submitter. Criteria: Invitae Variant Classification Sherloc (09022015). Collection method: clinical testing. Allele origin: germline.
Comment: This variant has not been reported in the literature in individuals affected with NF1-related conditions. In summary, the available evidence is currently insufficient to determine the role of this variant in disease. Therefore, it has been classified as a Variant of Uncertain Significance. Algorithms developed to predict the effect of missense changes on protein structure and function are either unavailable or do not agree on the potential impact of this missense change (SIFT: "Tolerated"; PolyPhen-2: "Probably Damaging"; Align-GVGD: "Class C0"). This variant is not present in population databases (gnomAD no frequency). This sequence change replaces aspartic acid, which is acidic and polar, with glutamic acid, which is acidic and polar, at codon 1984 of the NF1 protein (p.Asp1984Glu).

NM_001042492.3(NF1):c.6015T>G (p.Asp2005Glu)

Gene: NF1 (neurofibromin 1; plus strand). Cytogenetic location: 17q11.2.
Variant type: single nucleotide variant.
Coding change: c.6015T>G on transcript NM_001042492.3 (MANE Select); coding-DNA position 6015, T replaced by G.
Protein change: p.Asp2005Glu; replaces aspartic acid 2005 with glutamic acid.
Molecular consequence: missense variant.
Genome position (GRCh38, 1-based): chr17:31,336,341, T>G. VCF-style: chr17-31336341-T-G. GRCh37 (hg19) VCF-style: chr17-29663359-T-G.
Other names: c.5952T>G, p.Asp1984Glu (NM_000267.4); short protein forms D1984E, D2005E.
Identifiers: ClinVar variation 1492475 (VCV001492475.6), dbSNP rs2151553173, ClinGen allele CA399011014.